The following is an entry in ClinVar:

NM_001282116.2(RFX3):c.1420A>G (p.Met474Val)

Gene: RFX3 (regulatory factor X3; minus strand). Cytogenetic location: 9p24.2.
Variant type: single nucleotide variant.
Coding change: c.1420A>G on transcript NM_001282116.2 (MANE Select); coding-DNA position 1420, A replaced by G.
Protein change: p.Met474Val; replaces methionine 474 with valine.
Molecular consequence: missense variant.
Genome position (GRCh38, 1-based): chr9:3,266,243, T>C on the plus strand (A>G on the coding strand, the complement: RFX3 is on the minus strand). VCF-style: chr9-3266243-T-C. GRCh37 (hg19) VCF-style: chr9-3266243-T-C.
Other names: c.1420A>G, p.Met474Val (NM_001377999.1, NM_002919.4, NM_134428.3); short protein forms M474V.
Identifiers: ClinVar variation 3373766 (VCV003373766.2).

ClinVar aggregate classification (germline): Uncertain significance (1 of 4 stars; one submission).

Submission:

GeneDx
Classification: Uncertain significance. Last evaluated: 2026-09-09. Review status: criteria provided, single submitter. Criteria: GeneDx Variant Classification Process June 2021. Collection method: clinical testing. Allele origin: germline.
Comment: Not observed at significant frequency in large population cohorts (gnomAD); In silico analysis supports that this missense variant has a deleterious effect on protein structure/function; Has not been previously published as pathogenic or benign to our knowledge